The following is an entry in ClinVar:

NM_020738.4(KIDINS220):c.3717G>A (p.Lys1239=)

Gene: KIDINS220 (kinase D interacting substrate 220; minus strand). Cytogenetic location: 2p25.1.
Variant type: single nucleotide variant.
Coding change: c.3717G>A on transcript NM_020738.4 (MANE Select); coding-DNA position 3717, G replaced by A.
Protein change: p.Lys1239=; no amino-acid change (lysine 1239 retained).
Molecular consequence: synonymous variant. On other transcripts: non-coding transcript variant (2).
Genome position (GRCh38, 1-based): chr2:8,736,868, C>T on the plus strand (G>A on the coding strand, the complement: KIDINS220 is on the minus strand). VCF-style: chr2-8736868-C-T. GRCh37 (hg19) VCF-style: chr2-8876998-C-T.
Other names: NC_000002.11:g.8876998C>T; c.3549G>A, p.Lys1183= (NM_001348740.2, NM_001348734.2, NM_001348739.2); c.3546G>A, p.Lys1182= (NM_001348741.2, NM_001348742.2, NM_001348743.2 and 1 more transcripts); c.3720G>A, p.Lys1240= (NM_001348729.2); c.3663G>A, p.Lys1221= (NM_001348731.2); c.3660G>A, p.Lys1220= (NM_001348732.2, NM_001348738.2); c.3420G>A, p.Lys1140= (NM_001348736.2).
Identifiers: ClinVar variation 3349731 (VCV003349731.3).

ClinVar aggregate classification (germline): Likely benign (1 of 4 stars; one submission).

Conditions:
KIDINS220-related disorder. Also called: KIDINS220-related condition.

Submissions (2):

PreventionGenetics, part of Exact Sciences
Classification: Likely benign for KIDINS220-related condition. Last evaluated: 2025-02-27. Review status: criteria provided, single submitter. Criteria: ACMG Guidelines, 2015. Collection method: clinical testing. Allele origin: germline.
Comment: This variant is classified as likely benign based on ACMG/AMP sequence variant interpretation guidelines (Richards et al. 2015 PMID: 25741868, with internal and published modifications).

Dr. Peter K. Rogan Lab, Western University
No classification provided (evidence only). Condition: Clear cell carcinoma of kidney. Review status: no classification provided. Collection method: in vitro. Allele origin: not applicable. Functional consequence: retained intron. Not counted in ClinVar's aggregate classification.